The following is an entry in ClinVar:

NM_005744.5(ARIH1):c.214_243del (p.Ser72_Gly81del)

Gene: ARIH1 (ariadne RBR E3 ubiquitin protein ligase 1; plus strand). Cytogenetic location: 15q24.1.
Variant type: Deletion.
Coding change: c.214_243del on transcript NM_005744.5 (MANE Select); coding-DNA positions 214 to 243, 30 bases deleted (AGCGCTCTGGGGCCCGGCGGTGGCGGCGGC).
Protein change: p.Ser72_Gly81del.
Genome position (GRCh38, 1-based): chr15:72,474,853-72,474,882, AGCGCTCTGGGGCCCGGCGGTGGCGGCGGC deleted; deleting any 30 consecutive bases within chr15:72,474,838-72,474,882 gives the same sequence; the c. name uses the placement nearest the transcript's 3' end. VCF-style (leftmost placement, unchanged base first): chr15-72474837-GGGCGGTGGCGGCGGCAGCGCTCTGGGGCCC-G. GRCh37 (hg19) VCF-style: chr15-72767178-GGGCGGTGGCGGCGGCAGCGCTCTGGGGCCC-G.
Identifiers: ClinVar variation 3713911 (VCV003713911.2).
Genomic context (GRCh38, chr15:72,474,837, plus strand): 5'-GCTGGTGGAGCCCGGGCTGGGCGTCGGCGGGGAGCGGGACGGACTGCTGTGCGGGGAGAC[GGGCGGTGGCGGCGGCAGCGCTCTGGGGCCC>G]GGCGGTGGCGGCGGCGGCGGCGGCGGCGGTGGTGGTGGCGGGCCGGGGCATGAGCAGGAG-3'

ClinVar aggregate classification (germline): Uncertain significance (1 of 4 stars; one submission).

Submission:

Labcorp Genetics (formerly Invitae), Labcorp
Classification: Uncertain significance. Last evaluated: 2025-03-11. Review status: criteria provided, single submitter. Criteria: Invitae Variant Classification Sherloc (09022015). Collection method: clinical testing. Allele origin: germline.
Comment: This variant, c.214_243del, results in the deletion of 10 amino acid(s) of the ARIH1 protein (p.Ser72_Gly81del), but otherwise preserves the integrity of the reading frame. The frequency data for this variant in the population databases is considered unreliable, as metrics indicate poor data quality at this position in the gnomAD database. This variant has not been reported in the literature in individuals affected with ARIH1-related conditions. Experimental studies and prediction algorithms are not available or were not evaluated, and the functional significance of this variant is currently unknown. In summary, the available evidence is currently insufficient to determine the role of this variant in disease. Therefore, it has been classified as a Variant of Uncertain Significance.